The following is an entry in ClinVar:

NM_000428.3(LTBP2):c.5046dup (p.Glu1683fs)

Gene: LTBP2 (latent transforming growth factor beta binding protein 2; minus strand). Cytogenetic location: 14q24.3.
Variant type: Duplication.
Coding change: c.5046dup on transcript NM_000428.3 (MANE Select); coding-DNA position 5046, one base duplicated (C; older notation c.5046dupC).
Protein change: p.Glu1683fs; shifts the reading frame from glutamic acid 1683.
Molecular consequence: frameshift variant.
Genome position (GRCh38, 1-based): chr14:74,502,777, G duplicated on the plus strand (C on the coding strand, the reverse complement: LTBP2 is on the minus strand); the first of 4 consecutive G bases (chr14:74,502,777-74,502,780); duplicating any one gives the same sequence. VCF-style (leftmost placement, unchanged base first): chr14-74502776-C-CG. GRCh37 (hg19) VCF-style: chr14-74969479-C-CG.
Other names: short protein forms E1683fs.
Identifiers: ClinVar variation 2109380 (VCV002109380.4), dbSNP rs2506128996, ClinGen allele CA2580088746.

ClinVar aggregate classification (germline): Pathogenic (1 of 4 stars; one submission).

Submission:

Labcorp Genetics (formerly Invitae), Labcorp
Classification: Pathogenic. Last evaluated: 2022-03-11. Review status: criteria provided, single submitter. Criteria: Invitae Variant Classification Sherloc (09022015). Collection method: clinical testing. Allele origin: germline.
Comment: For these reasons, this variant has been classified as Pathogenic. This variant has not been reported in the literature in individuals affected with LTBP2-related conditions. This variant is not present in population databases (gnomAD no frequency). This sequence change creates a premature translational stop signal (p.Glu1683Argfs*6) in the LTBP2 gene. It is expected to result in an absent or disrupted protein product. Loss-of-function variants in LTBP2 are known to be pathogenic (PMID: 19361779, 22025892).

Literature cited by the submitters: PubMed 19361779; PubMed 22025892.